The following is an entry in ClinVar:

NM_006941.4(SOX10):c.191A>C (p.Asp64Ala)

Genes: POLR2F (RNA polymerase II, I and III subunit F; plus strand), SOX10 (SRY-box transcription factor 10; minus strand). Cytogenetic location: 22q13.1.
Variant type: single nucleotide variant.
Coding change: c.191A>C on transcript NM_006941.4 (MANE Select); coding-DNA position 191, A replaced by C.
Protein change: p.Asp64Ala; replaces aspartic acid 64 with alanine.
Molecular consequence: missense variant. On other transcripts: intron variant (3).
Genome position (GRCh38, 1-based): chr22:37,983,594, T>G on the plus strand (A>C on the coding strand, the complement: SOX10 is on the minus strand). VCF-style: chr22-37983594-T-G. GRCh37 (hg19) VCF-style: chr22-38379601-T-G.
Other names: c.*38+11284T>G (NM_001363825.1); c.294-2560T>G (NM_001301130.2); c.293+16424T>G (NM_001301131.2); short protein forms D64A.
Identifiers: ClinVar variation 1506349 (VCV001506349.9), dbSNP rs372400283, ClinGen allele CA10228719.

ClinVar aggregate classification (germline): Conflicting classifications of pathogenicity. Review status: criteria provided, conflicting classifications (1 of 4 stars). 2 submissions from 2 submitters: Uncertain significance (1); Likely benign (1). Last evaluated 2024-09-04.

gnomAD v4.1: 9 of 1,608,940 alleles (0.00056%); highest among the groups gnomAD compares: Non-Finnish European, 0.00068%; no homozygotes.

Submissions (2):

Women's Health and Genetics/Laboratory Corporation of America, LabCorp
Classification: Uncertain significance. Last evaluated: 2024-09-04. Review status: criteria provided, single submitter. Criteria: LabCorp Variant Classification Summary - May 2015. Collection method: clinical testing. Allele origin: germline.
Comment: Variant summary: SOX10 c.191A>C (p.Asp64Ala) results in a non-conservative amino acid change located in the Sox developmental protein N-terminal domain (IPR022151) of the encoded protein sequence. Three of five in-silico tools predict a damaging effect of the variant on protein function. The variant allele was found at a frequency of 4.2e-06 in 240888 control chromosomes. The available data on variant occurrences in the general population are insufficient to allow any conclusion about variant significance. c.191A>C has been reported in the literature in two individuals affected with clincial features of SOX10-related conditions, however both individuals carried a variant in a different gene that could explain these features (e.g., Rojas_2021). Therefore, these report(s) do not provide unequivocal conclusions about association of the variant with Waardenburg Syndrome Type 2E. Co-occurrences with other pathogenic variant(s) have been reported (FGFR1, p.K955*), providing supporting evidence for a benign role (Rojas_2021). To our knowledge, no experimental evidence demonstrating an impact on protein function has been reported. The following publication has been ascertained in the context of this evaluation (PMID: 33442024). ClinVar contains an entry for this variant (Variation ID: 1506349). Based on the evidence outlined above, the variant was classified as uncertain significance.

Labcorp Genetics (formerly Invitae), Labcorp
Classification: Likely benign. Last evaluated: 2024-05-22. Review status: criteria provided, single submitter. Criteria: Invitae Variant Classification Sherloc (09022015). Collection method: clinical testing. Allele origin: germline.

Literature cited by the submitters: PubMed 33442024 (cited by Women's Health and Genetics/Laboratory Corporation of America, LabCorp).